The following is an entry in ClinVar:

NM_004519.4(KCNQ3):c.2468G>A (p.Gly823Glu)

Gene: KCNQ3 (potassium voltage-gated channel subfamily Q member 3; minus strand). Cytogenetic location: 8q24.22.
Variant type: single nucleotide variant.
Coding change: c.2468G>A on transcript NM_004519.4 (MANE Select); coding-DNA position 2468, G replaced by A.
Protein change: p.Gly823Glu; replaces glycine 823 with glutamic acid.
Molecular consequence: missense variant.
Genome position (GRCh38, 1-based): chr8:132,129,413, C>T on the plus strand (G>A on the coding strand, the complement: KCNQ3 is on the minus strand). VCF-style: chr8-132129413-C-T. GRCh37 (hg19) VCF-style: chr8-133141660-C-T.
Other names: c.2108G>A, p.Gly703Glu (NM_001204824.2); short protein forms G703E, G823E.
Identifiers: ClinVar variation 1446609 (VCV001446609.8), dbSNP rs767331428, ClinGen allele CA4880437.

ClinVar aggregate classification (germline): Uncertain significance (1 of 4 stars; one submission).

Conditions:
Benign neonatal seizures. Also called: Convulsions benign familial neonatal dominant form; Autosomal dominant form of benign neonatal seizures; Benign familial neonatal seizures; Benign neonatal familial convulsions; Benign familial neonatal epilepsy. Identifiers: Orphanet 1949, MedGen C0220669, MONDO:0016027.

Allele frequency attached by ClinVar (database versions not stated): TOPMed below 0.00001; ExAC 0.00002; gnomAD exomes 0.00002.
gnomAD v4.1: 10 of 1,614,188 alleles (0.00062%); highest among the groups gnomAD compares: South Asian, 0.011%; no homozygotes.

Submission:

Labcorp Genetics (formerly Invitae), Labcorp
Classification: Uncertain significance for Benign neonatal seizures. Last evaluated: 2023-03-23. Review status: criteria provided, single submitter. Criteria: Invitae Variant Classification Sherloc (09022015). Collection method: clinical testing. Allele origin: germline.
Comment: Advanced modeling of protein sequence and biophysical properties (such as structural, functional, and spatial information, amino acid conservation, physicochemical variation, residue mobility, and thermodynamic stability) performed at Invitae indicates that this missense variant is not expected to disrupt KCNQ3 protein function. ClinVar contains an entry for this variant (Variation ID: 1446609). This variant has not been reported in the literature in individuals affected with KCNQ3-related conditions. This variant is present in population databases (rs767331428, gnomAD 0.01%). This sequence change replaces glycine, which is neutral and non-polar, with glutamic acid, which is acidic and polar, at codon 823 of the KCNQ3 protein (p.Gly823Glu). In summary, the available evidence is currently insufficient to determine the role of this variant in disease. Therefore, it has been classified as a Variant of Uncertain Significance.